The following is an entry in ClinVar:

ClinVar aggregate classification (germline): Uncertain significance (1 of 4 stars; one submission).

Conditions:
SHANK2-related disorder.

gnomAD v4.1: 8 of 717,890 alleles (0.0011%); highest among the groups gnomAD compares: Admixed American, 0.002%; no homozygotes.

Submission:

PreventionGenetics, part of Exact Sciences
Classification: Uncertain significance for SHANK2-related condition. Last evaluated: 2026-02-19. Review status: criteria provided, single submitter. Criteria: ACMG Guidelines, 2015. Collection method: clinical testing. Allele origin: germline.
Comment: The SHANK2 c.1540G>A variant is predicted to result in the amino acid substitution p.Glu514Lys. To our knowledge, this variant has not been reported in the literature. This variant is reported in 0.0041% of alleles in individuals of Latino descent in gnomAD. At this time, the clinical significance of this variant is uncertain due to the absence of conclusive functional and genetic evidence.

NM_012309.5(SHANK2):c.1540G>A (p.Glu514Lys)

Gene: SHANK2 (SH3 and multiple ankyrin repeat domains 2; minus strand). Cytogenetic location: 11q13.4.
Variant type: single nucleotide variant.
Coding change: c.1540G>A on transcript NM_012309.5 (MANE Select); coding-DNA position 1540, G replaced by A.
Protein change: p.Glu514Lys; replaces glutamic acid 514 with lysine.
Molecular consequence: missense variant.
Genome position (GRCh38, 1-based): chr11:70,807,125, C>T on the plus strand (G>A on the coding strand, the complement: SHANK2 is on the minus strand). VCF-style: chr11-70807125-C-T. GRCh37 (hg19) VCF-style: chr11-70653230-C-T.
Other names: c.403G>A, p.Glu135Lys (NM_001379226.1, NM_001441040.1, NM_001441041.1); c.1711G>A, p.Glu571Lys (NM_001441024.1); c.1540G>A, p.Glu514Lys (NM_001441025.1, NM_001441026.1, NM_001441027.1 and 11 more transcripts); c.1468G>A, p.Glu490Lys (NM_001441038.1); short protein forms E490K, E514K, E571K, E135K.
Identifiers: ClinVar variation 4978154 (VCV004978154.1).